The following is an entry in ClinVar:

ClinVar aggregate classification (germline): Uncertain significance (1 of 4 stars; one submission).

Conditions:
TERT-related disorder. Also called: TERT-related condition; TERT-related disorders.

Submission:

PreventionGenetics, part of Exact Sciences
Classification: Uncertain significance for TERT-related condition. Last evaluated: 2025-09-09. Review status: criteria provided, single submitter. Criteria: ACMG Guidelines, 2015. Collection method: clinical testing. Allele origin: germline.
Comment: The TERT c.137C>T variant is predicted to result in the amino acid substitution p.Ala46Val. To our knowledge, this variant has not been reported in the literature or in a large population database (gnomAD), indicating this variant is rare. At this time, the clinical significance of this variant is uncertain due to the absence of conclusive functional and genetic evidence.

NM_198253.3(TERT):c.137C>T (p.Ala46Val)

Genes: TERT (telomerase reverse transcriptase; minus strand), LOC110806263 (TERT 5' regulatory region; plus strand). Cytogenetic location: 5p15.33.
Variant type: single nucleotide variant.
Coding change: c.137C>T on transcript NM_198253.3 (MANE Select); coding-DNA position 137, C replaced by T.
Protein change: p.Ala46Val; replaces alanine 46 with valine.
Molecular consequence: missense variant. On other transcripts: non-coding transcript variant (2).
Genome position (GRCh38, 1-based): chr5:1,294,853, G>A on the plus strand (C>T on the coding strand, the complement: TERT is on the minus strand). VCF-style: chr5-1294853-G-A. GRCh37 (hg19) VCF-style: chr5-1294968-G-A.
Other names: c.137C>T, p.Ala46Val (NM_001193376.3); short protein forms A46V.
Identifiers: ClinVar variation 4995984 (VCV004995984.1).
Genomic context (GRCh38, chr5:1,294,853, plus strand): 5'-GGGGGCGGCCGTGCGTCCCAGGGCACGCACACCAGGCACTGGGCCACCAGCGCGCGGAAA[G>A]CCGCCGGGTCCCCGCGCTGCACCAGCCGCCAGCCCTGGGGCCCCAGGCGCCGCACGAACG-3'
Protein context (NP_937983.2, residues 36-56): WRLVQRGDPA[Ala46Val]FRALVAQCLV